The following is an entry in ClinVar:

NM_001369369.1(FOXN1):c.110C>A (p.Pro37His)

Gene: FOXN1 (forkhead box N1; plus strand). Cytogenetic location: 17q11.2.
Variant type: single nucleotide variant.
Coding change: c.110C>A on transcript NM_001369369.1 (MANE Select); coding-DNA position 110, C replaced by A.
Protein change: p.Pro37His; replaces proline 37 with histidine.
Molecular consequence: missense variant.
Genome position (GRCh38, 1-based): chr17:28,524,079, C>A. VCF-style: chr17-28524079-C-A. GRCh37 (hg19) VCF-style: chr17-26851097-C-A.
Other names: c.110C>A, p.Pro37His (NM_003593.3); short protein forms P37H.
Identifiers: ClinVar variation 4886004 (VCV004886004.2).

ClinVar aggregate classification (germline): Uncertain significance (1 of 4 stars; one submission).

gnomAD v4.1: 2 of 1,603,848 alleles (0.00012%); highest among the groups gnomAD compares: Admixed American, 0.0017%; no homozygotes.

Submission:

Dasa
Classification: Uncertain significance. Last evaluated: 2025-01-19. Review status: criteria provided, single submitter. Criteria: DASA Assertion Criteria. Collection method: clinical testing. Allele origin: germline.
Comment: NM_001369369.1(FOXN1):c.110C>A (p.Pro37His) is a missense variant that results in the substitution of proline with histidine. This variant is rare in population databases. The currently available literature and clinical evidence are not sufficient to establish a definitive association between this variant and the reported condition. Therefore, this variant is classified as a variant of uncertain significance.